The following is an entry in ClinVar:

NM_032217.5(ANKRD17):c.5078C>G (p.Ser1693Cys)

Gene: ANKRD17 (ankyrin repeat domain 17; minus strand). Cytogenetic location: 4q13.3.
Variant type: single nucleotide variant.
Coding change: c.5078C>G on transcript NM_032217.5 (MANE Select); coding-DNA position 5078, C replaced by G.
Protein change: p.Ser1693Cys; replaces serine 1693 with cysteine.
Molecular consequence: missense variant.
Genome position (GRCh38, 1-based): chr4:73,097,216, G>C on the plus strand (C>G on the coding strand, the complement: ANKRD17 is on the minus strand). VCF-style: chr4-73097216-G-C. GRCh37 (hg19) VCF-style: chr4-73962933-G-C.
Other names: c.4739C>G, p.Ser1580Cys (NM_001286771.3); c.5075C>G, p.Ser1692Cys (NM_015574.2); c.4325C>G, p.Ser1442Cys (NM_198889.3); short protein forms S1442C, S1580C, S1692C, S1693C.
Identifiers: ClinVar variation 4755806 (VCV004755806.1).

ClinVar aggregate classification (germline): Uncertain significance (1 of 4 stars; one submission).

gnomAD v4.1: 1 of 1,610,606 alleles (0.000062%); highest among the groups gnomAD compares: Non-Finnish European, 0.000085%; no homozygotes.

Submission:

GeneDx
Classification: Uncertain significance. Last evaluated: 2025-08-05. Review status: criteria provided, single submitter. Criteria: GeneDx Variant Classification Process June 2021. Collection method: clinical testing. Allele origin: germline. Affected: yes.
Comment: Not observed at significant frequency in large population cohorts (gnomAD); In silico analysis suggests that this missense variant does not alter protein structure/function; Has not been previously published as pathogenic or benign to our knowledge